The following is an entry in ClinVar:

NM_015046.7(SETX):c.3298A>G (p.Asn1100Asp)

Gene: SETX (senataxin; minus strand). Cytogenetic location: 9q34.13.
Variant type: single nucleotide variant.
Coding change: c.3298A>G on transcript NM_015046.7 (MANE Select); coding-DNA position 3298, A replaced by G.
Protein change: p.Asn1100Asp; replaces asparagine 1100 with aspartic acid.
Molecular consequence: missense variant.
Genome position (GRCh38, 1-based): chr9:132,328,300, T>C on the plus strand (A>G on the coding strand, the complement: SETX is on the minus strand). VCF-style: chr9-132328300-T-C. GRCh37 (hg19) VCF-style: chr9-135203687-T-C.
Other names: c.3298A>G, p.Asn1100Asp (NM_001351528.2, NM_001351527.2); short protein forms N1100D.
Identifiers: ClinVar variation 1307071 (VCV001307071.7), dbSNP rs1230355404, ClinGen allele CA375331008.
Genomic context (GRCh38, chr9:132,328,300, plus strand): 5'-CATTTGTAGTATTGGCTATAGGAGCCAAACATTTTTTCTCACCATCTTGAACTGAATTAT[T>C]ATCGTCTGGATGATCTTGCCAAACTGAAAACACTTCAGATGAACTTTCAAACTCAAAACA-3'
Protein context (NP_055861.3, residues 1090-1110): FSVWQDHPDD[Asn1100Asp]NSVQDGEKKC

ClinVar aggregate classification (germline): Uncertain significance. Review status: criteria provided, multiple submitters, no conflicts (2 of 4 stars). 4 submissions from 3 submitters: Uncertain significance (4). Last evaluated 2023-02-08.

Conditions:
Amyotrophic lateral sclerosis type 4 (ALS4). Also called: AMYOTROPHIC LATERAL SCLEROSIS 4, JUVENILE; NEURONOPATHY, DISTAL HEREDITARY MOTOR, WITH PYRAMIDAL FEATURES. Identifiers: Orphanet 357043, MedGen C1865409, MONDO:0011223, OMIM 602433.
Spinocerebellar ataxia, autosomal recessive, with axonal neuropathy 2 (SCAN2). Also called: ATAXIA-OCULOMOTOR APRAXIA 2; Ataxia-ocular apraxia-2; Ataxia with Oculomotor Apraxia; Ataxia with Oculomotor Apraxia Type 2. Identifiers: Orphanet 64753, MedGen C1853761, MONDO:0018996, OMIM 606002.

Allele frequency attached by ClinVar (database versions not stated): gnomAD exomes 0.00001; TOPMed 0.00001; gnomAD 0.00003.
gnomAD v4.1: 25 of 1,613,982 alleles (0.0015%); highest among the groups gnomAD compares: Non-Finnish European, 0.002%; no homozygotes.

Submissions (4):

Genome-Nilou Lab
Classification: Uncertain significance for Spinocerebellar ataxia, autosomal recessive, with axonal neuropathy 2. Last evaluated: 2023-02-08. Review status: criteria provided, single submitter. Criteria: ACMG Guidelines, 2015. Collection method: clinical testing. Allele origin: germline.

Genome-Nilou Lab
Classification: Uncertain significance for Amyotrophic lateral sclerosis type 4. Last evaluated: 2023-02-08. Review status: criteria provided, single submitter. Criteria: ACMG Guidelines, 2015. Collection method: clinical testing. Allele origin: germline.

Labcorp Genetics (formerly Invitae), Labcorp
Classification: Uncertain significance for Amyotrophic lateral sclerosis type 4; Spinocerebellar ataxia, autosomal recessive, with axonal neuropathy 2. Last evaluated: 2021-12-11. Review status: criteria provided, single submitter. Criteria: Invitae Variant Classification Sherloc (09022015). Collection method: clinical testing. Allele origin: germline.
Comment: In summary, the available evidence is currently insufficient to determine the role of this variant in disease. Therefore, it has been classified as a Variant of Uncertain Significance. Advanced modeling of protein sequence and biophysical properties (such as structural, functional, and spatial information, amino acid conservation, physicochemical variation, residue mobility, and thermodynamic stability) performed at Invitae indicates that this missense variant is not expected to disrupt SETX protein function. ClinVar contains an entry for this variant (Variation ID: 1307071). This sequence change replaces asparagine, which is neutral and polar, with aspartic acid, which is acidic and polar, at codon 1100 of the SETX protein (p.Asn1100Asp). This variant is present in population databases (no rsID available, gnomAD 0.003%). This variant has not been reported in the literature in individuals affected with SETX-related conditions.

GeneDx
Classification: Uncertain significance. Last evaluated: 2019-07-23. Review status: criteria provided, single submitter. Criteria: GeneDx Variant Classification Process June 2021. Collection method: clinical testing. Allele origin: germline. Affected: yes.
Comment: Not observed at a significant frequency in large population cohorts (Lek et al., 2016); In silico analysis, which includes protein predictors and evolutionary conservation, supports that this variant does not alter protein structure/function; Has not been previously published as pathogenic or benign to our knowledge